The following is an entry in ClinVar:

ClinVar aggregate classification (germline): Uncertain significance. Review status: criteria provided, multiple submitters, no conflicts (2 of 4 stars). 2 submissions from 2 submitters: Uncertain significance (2). Last evaluated 2022-12-02.

Conditions:
Dilated cardiomyopathy 1DD (CMD1DD). Identifiers: Orphanet 154, MedGen C2750995, MONDO:0013168, OMIM 613172.
Cardiovascular phenotype. Identifiers: MedGen CN230736.

Allele frequency attached by ClinVar (database versions not stated): TOPMed 0.00002.

Submissions (2):

Labcorp Genetics (formerly Invitae), Labcorp
Classification: Uncertain significance for Dilated cardiomyopathy 1DD. Last evaluated: 2022-12-02. Review status: criteria provided, single submitter. Criteria: Invitae Variant Classification Sherloc (09022015). Collection method: clinical testing. Allele origin: germline.
Comment: This sequence change replaces alanine, which is neutral and non-polar, with valine, which is neutral and non-polar, at codon 1052 of the RBM20 protein (p.Ala1052Val). In summary, the available evidence is currently insufficient to determine the role of this variant in disease. Therefore, it has been classified as a Variant of Uncertain Significance. Advanced modeling of protein sequence and biophysical properties (such as structural, functional, and spatial information, amino acid conservation, physicochemical variation, residue mobility, and thermodynamic stability) performed at Invitae indicates that this missense variant is not expected to disrupt RBM20 protein function. ClinVar contains an entry for this variant (Variation ID: 1514598). This variant has not been reported in the literature in individuals affected with RBM20-related conditions. This variant is not present in population databases (gnomAD no frequency).

Ambry Genetics
Classification: Uncertain significance for Cardiovascular phenotype. Last evaluated: 2022-06-03. Review status: criteria provided, single submitter. Criteria: Ambry Variant Classification Scheme 2023. Collection method: clinical testing. Allele origin: germline.

NM_001134363.3(RBM20):c.3155C>T (p.Ala1052Val)

Gene: RBM20 (RNA binding motif protein 20; plus strand). Cytogenetic location: 10q25.2.
Variant type: single nucleotide variant.
Coding change: c.3155C>T on transcript NM_001134363.3 (MANE Select); coding-DNA position 3155, C replaced by T.
Protein change: p.Ala1052Val; replaces alanine 1052 with valine.
Molecular consequence: missense variant.
Genome position (GRCh38, 1-based): chr10:110,821,774, C>T. VCF-style: chr10-110821774-C-T. GRCh37 (hg19) VCF-style: chr10-112581532-C-T.
Other names: short protein forms A1052V.
Identifiers: ClinVar variation 1514598 (VCV001514598.7), dbSNP rs1276115385, ClinGen allele CA378381435.